The following is an entry in ClinVar:

ClinVar aggregate classification (germline): Uncertain significance (1 of 4 stars; one submission).

Conditions:
Inborn genetic diseases. Identifiers: MedGen C0950123, MeSH D030342.

gnomAD v4.1: 3 of 1,455,506 alleles (0.00021%); highest among the groups gnomAD compares: Non-Finnish European, 0.00027%; no homozygotes.

Submission:

Ambry Genetics
Classification: Uncertain significance for Inborn genetic diseases. Last evaluated: 2026-04-11. Review status: criteria provided, single submitter. Criteria: Ambry Variant Classification Scheme 2023. Collection method: clinical testing. Allele origin: germline.
Comment: The c.1081C>T (p.P361S) alteration is located in exon 1 (coding exon 1) of the MN1 gene. This alteration results from a C to T substitution at nucleotide position 1081, causing the proline (P) at amino acid position 361 to be replaced by a serine (S). Based on data from gnomAD, the T allele has an overall frequency of <0.001% (0/66308) total alleles studied. The highest observed frequency was <0.001% (/) of alleles. Based on insufficient or conflicting evidence, the clinical significance of this alteration remains unclear.

NM_002430.3(MN1):c.1081C>T (p.Pro361Ser)

Gene: MN1 (MN1 proto-oncogene, transcriptional regulator; minus strand). Cytogenetic location: 22q12.1.
Variant type: single nucleotide variant.
Coding change: c.1081C>T on transcript NM_002430.3 (MANE Select); coding-DNA position 1081, C replaced by T.
Protein change: p.Pro361Ser; replaces proline 361 with serine.
Molecular consequence: missense variant.
Genome position (GRCh38, 1-based): chr22:27,799,463, G>A on the plus strand (C>T on the coding strand, the complement: MN1 is on the minus strand). VCF-style: chr22-27799463-G-A. GRCh37 (hg19) VCF-style: chr22-28195451-G-A.
Other names: short protein forms P361S.
Identifiers: ClinVar variation 4860250 (VCV004860250.1).